The following is an entry in ClinVar:

ClinVar aggregate classification (germline): Benign/Likely benign. Review status: criteria provided, multiple submitters, no conflicts (2 of 4 stars). 7 submissions from 7 submitters: Benign (4); Likely benign (2). 1 of the submissions does not count toward it. Last evaluated 2026-02-03.

Conditions:
Inborn genetic diseases. Identifiers: MedGen C0950123, MeSH D030342.
Developmental and epileptic encephalopathy, 12 (DEE12). Identifiers: MedGen C3150988, MONDO:0013389, OMIM 613722.

Allele frequency attached by ClinVar (database versions not stated): gnomAD exomes 0.00141 and 0.00367; ExAC 0.00455; gnomAD 0.01339 and 0.01438; ESP Exome Variant Server 0.01476; TOPMed 0.01527; 1000 Genomes Project 30x 0.01530; 1000 Genomes Project 0.01558.
gnomAD v4.1: 4,253 of 1,612,992 alleles (0.26%); highest among the groups gnomAD compares: African/African-American, 4.7%; 100 homozygotes.

Submissions (7):

Labcorp Genetics (formerly Invitae), Labcorp
Classification: Benign for Developmental and epileptic encephalopathy, 12. Last evaluated: 2026-02-03. Review status: criteria provided, single submitter. Criteria: Invitae Variant Classification Sherloc (09022015). Collection method: clinical testing. Allele origin: germline.

GeneDx
Classification: Likely benign. Last evaluated: 2020-12-15. Review status: criteria provided, single submitter. Criteria: GeneDx Variant Classification Process June 2021. Collection method: clinical testing. Allele origin: germline. Affected: yes.

Mayo Clinic Laboratories, Mayo Clinic
Classification: Benign. Last evaluated: 2020-01-06. Review status: criteria provided, single submitter. Criteria: ACMG Guidelines, 2015. Collection method: clinical testing. Allele origin: germline. Observed: 3 variant alleles.

Illumina Laboratory Services, Illumina
Classification: Benign for Developmental and epileptic encephalopathy, 12. Last evaluated: 2018-01-13. Review status: criteria provided, single submitter. Criteria: ICSL Variant Classification Criteria 13 December 2019. Collection method: clinical testing. Allele origin: germline.
Comment: This variant was observed in the ICSL laboratory as part of a predisposition screen in an ostensibly healthy population. It had not been previously curated by ICSL or reported in the Human Gene Mutation Database (HGMD: prior to June 1st, 2018), and was therefore a candidate for classification through an automated scoring system. Utilizing variant allele frequency, disease prevalence and penetrance estimates, and inheritance mode, an automated score was calculated to assess if this variant is too frequent to cause the disease. Based on the score and internal cut-off values, a variant classified as benign is not then subjected to further curation. The score for this variant resulted in a classification of benign for this disease.

Ambry Genetics
Classification: Benign for Inborn genetic diseases. Last evaluated: 2016-03-21. Review status: criteria provided, single submitter. Criteria: Ambry Variant Classification Scheme 2023. Collection method: clinical testing. Allele origin: germline.

Breakthrough Genomics
Classification: Likely benign. Review status: criteria provided, single submitter. Criteria: ACMG Guidelines, 2015. Collection method: not provided. Allele origin: germline. Inheritance: Autosomal recessive inheritance. Affected: yes.

Genetic Services Laboratory, University of Chicago
Classification: Likely benign for AllHighlyPenetrant. Review status: no assertion criteria provided. Collection method: clinical testing. Allele origin: germline. Inheritance: Autosomal recessive inheritance. Not counted in ClinVar's aggregate classification.
Comment: Likely benign based on allele frequency in 1000 Genomes Project or ESP global frequency and its presence in a patient with a rare or unrelated disease phenotype. NOT Sanger confirmed.

NM_015192.4(PLCB1):c.2199G>A (p.Val733=)

Gene: PLCB1 (phospholipase C beta 1; plus strand). Cytogenetic location: 20p12.3.
Variant type: single nucleotide variant.
Coding change: c.2199G>A on transcript NM_015192.4 (MANE Select); coding-DNA position 2199, G replaced by A.
Protein change: p.Val733=; no amino-acid change (valine 733 retained).
Molecular consequence: synonymous variant.
Genome position (GRCh38, 1-based): chr20:8,737,183, G>A. VCF-style: chr20-8737183-G-A. GRCh37 (hg19) VCF-style: chr20-8717830-G-A.
Other names: p.Val733=; c.2199G>A, p.Val733= (NM_182734.3).
Identifiers: ClinVar variation 129905 (VCV000129905.29), dbSNP rs8118206, ClinGen allele CA154269.